The following is an entry in ClinVar:

NM_000466.3(PEX1):c.34G>T (p.Gly12Ter)

Genes: PEX1 (peroxisomal biogenesis factor 1; minus strand), LOC129998796 (ATAC-STARR-seq lymphoblastoid silent region 18372; plus strand). Cytogenetic location: 7q21.2.
Variant type: single nucleotide variant.
Coding change: c.34G>T on transcript NM_000466.3 (MANE Select); coding-DNA position 34, G replaced by T.
Protein change: p.Gly12Ter; replaces glycine 12 with a stop codon.
Molecular consequence: nonsense. On other transcripts: 5 prime UTR variant (1).
Genome position (GRCh38, 1-based): chr7:92,528,402, C>A on the plus strand (G>T on the coding strand, the complement: PEX1 is on the minus strand). VCF-style: chr7-92528402-C-A. GRCh37 (hg19) VCF-style: chr7-92157716-C-A.
Other names: c.34G>T, p.Gly12Ter (NM_001282677.2); c.-626G>T (NM_001282678.2); short protein forms G12*.
Identifiers: ClinVar variation 1457806 (VCV001457806.6), dbSNP rs1793402720, ClinGen allele CA368207489.

ClinVar aggregate classification (germline): Pathogenic (1 of 4 stars; one submission).

Conditions:
Zellweger spectrum disorders (ZS). Also called: Zellweger syndrome; Zellweger Spectrum Disorder; Zellweger Spectrum; Zellweger Spectrum Disorder (ZSD). Identifiers: Orphanet 912, MedGen C0043459, MONDO:0019609.

Submission:

Labcorp Genetics (formerly Invitae), Labcorp
Classification: Pathogenic for Zellweger spectrum disorders. Last evaluated: 2020-11-11. Review status: criteria provided, single submitter. Criteria: Invitae Variant Classification Sherloc (09022015). Collection method: clinical testing. Allele origin: germline.
Comment: For these reasons, this variant has been classified as Pathogenic. Algorithms developed to predict the effect of sequence changes on RNA splicing suggest that this variant may create or strengthen a splice site, but this prediction has not been confirmed by published transcriptional studies. This variant has not been reported in the literature in individuals with PEX1-related conditions. This variant is not present in population databases (ExAC no frequency). This sequence change creates a premature translational stop signal (p.Gly12*) in the PEX1 gene. It is expected to result in an absent or disrupted protein product. Loss-of-function variants in PEX1 are known to be pathogenic (PMID: 9398847, 16086329, 16141001, 21031596, 26387595, 31831025).

Literature cited by the submitters: PubMed 9398847; PubMed 16086329; PubMed 16141001; PubMed 21031596; PubMed 26387595; PubMed 31831025.